The following is an entry in ClinVar:

ClinVar aggregate classification (germline): Uncertain significance (1 of 4 stars; one submission).

Conditions:
Congenital contractural arachnodactyly (CCA). Also called: Arthrogryposis, distal, type 9; BEALS SYNDROME; Beals-Hecht syndrome. Identifiers: Orphanet 115, MedGen C0220668, MONDO:0007363, OMIM 121050.

gnomAD v4.1: 12 of 1,613,952 alleles (0.00074%); highest among the groups gnomAD compares: Non-Finnish European, 0.00068%; no homozygotes.

Submission:

Labcorp Genetics (formerly Invitae), Labcorp
Classification: Uncertain significance for Congenital contractural arachnodactyly. Last evaluated: 2025-03-18. Review status: criteria provided, single submitter. Criteria: Invitae Variant Classification Sherloc (09022015). Collection method: clinical testing. Allele origin: germline.
Comment: This sequence change replaces lysine, which is basic and polar, with glutamic acid, which is acidic and polar, at codon 2293 of the FBN2 protein (p.Lys2293Glu). This variant is present in population databases (rs758784773, gnomAD 0.002%). This variant has not been reported in the literature in individuals affected with FBN2-related conditions. Invitae Evidence Modeling of protein sequence and biophysical properties (such as structural, functional, and spatial information, amino acid conservation, physicochemical variation, residue mobility, and thermodynamic stability) indicates that this missense variant is not expected to disrupt FBN2 protein function with a negative predictive value of 80%. In summary, the available evidence is currently insufficient to determine the role of this variant in disease. Therefore, it has been classified as a Variant of Uncertain Significance.

NM_001999.4(FBN2):c.6877A>G (p.Lys2293Glu)

Gene: FBN2 (fibrillin 2; minus strand). Cytogenetic location: 5q23.3.
Variant type: single nucleotide variant.
Coding change: c.6877A>G on transcript NM_001999.4 (MANE Select); coding-DNA position 6877, A replaced by G.
Protein change: p.Lys2293Glu; replaces lysine 2293 with glutamic acid.
Molecular consequence: missense variant.
Genome position (GRCh38, 1-based): chr5:128,287,311, T>C on the plus strand (A>G on the coding strand, the complement: FBN2 is on the minus strand). VCF-style: chr5-128287311-T-C. GRCh37 (hg19) VCF-style: chr5-127623003-T-C.
Other names: short protein forms K2293E.
Identifiers: ClinVar variation 3625467 (VCV003625467.2).
Genomic context (GRCh38, chr5:128,287,311, plus strand): 5'-GATGTATCTCCAGCATGACAAATAAAGTTCGAACTACTCCCGAGTCTGAGGCCTTACCTT[T>C]GCACATCTTTTGATCTTCCCTGAGGGCATAGCCAATCGGGCACGTGCATTCATAGGACCC-3'
Protein context (NP_001990.2, residues 2283-2303): YALREDQKMC[Lys2293Glu]DLDECAEGLH